The following is an entry in ClinVar:

ClinVar aggregate classification (germline): Conflicting classifications of pathogenicity. Review status: criteria provided, conflicting classifications (1 of 4 stars). 3 submissions from 2 submitters: Uncertain significance (1); Benign (1); Likely benign (1). Last evaluated 2025-09-30.

Conditions:
Autosomal recessive Robinow syndrome (RRS1). Also called: ROBINOW SYNDROME, AUTOSOMAL RECESSIVE 1; COSTOVERTEBRAL SEGMENTATION DEFECT WITH MESOMELIA; COVESDEM SYNDROME; ROR2-Related Robinow Syndrome. Identifiers: Orphanet 1507, Orphanet 97360, MedGen C5399974, MONDO:0009999, OMIM 268310.
Brachydactyly type B1 (BDB1). Identifiers: Orphanet 572385, Orphanet 93383, MedGen C1862112, MONDO:0007220, OMIM 113000.

Allele frequency attached by ClinVar (database versions not stated): ESP Exome Variant Server 0.00008; gnomAD 0.00010 and 0.00011; TOPMed 0.00011.
gnomAD v4.1: 46 of 1,612,990 alleles (0.0029%); highest among the groups gnomAD compares: East Asian, 0.047%; no homozygotes.

Submissions (3):

Labcorp Genetics (formerly Invitae), Labcorp
Classification: Likely benign. Last evaluated: 2025-09-30. Review status: criteria provided, single submitter. Criteria: Invitae Variant Classification Sherloc (09022015). Collection method: clinical testing. Allele origin: germline.

Illumina Laboratory Services, Illumina
Classification: Benign for Brachydactyly type B1. Last evaluated: 2018-01-12. Review status: criteria provided, single submitter. Criteria: ICSL Variant Classification Criteria 13 December 2019. Collection method: clinical testing. Allele origin: germline.
Comment: This variant was observed in the ICSL laboratory as part of a predisposition screen in an ostensibly healthy population. It had not been previously curated by ICSL or reported in the Human Gene Mutation Database (HGMD: prior to June 1st, 2018), and was therefore a candidate for classification through an automated scoring system. Utilizing variant allele frequency, disease prevalence and penetrance estimates, and inheritance mode, an automated score was calculated to assess if this variant is too frequent to cause the disease. Based on the score and internal cut-off values, a variant classified as benign is not then subjected to further curation. The score for this variant resulted in a classification of benign for this disease.

Illumina Laboratory Services, Illumina
Classification: Uncertain significance for Autosomal recessive Robinow syndrome. Last evaluated: 2018-01-12. Review status: criteria provided, single submitter. Criteria: ICSL Variant Classification Criteria 13 December 2019. Collection method: clinical testing. Allele origin: germline.

NM_004560.4(ROR2):c.2190C>T (p.Asn730=)

Gene: ROR2 (receptor tyrosine kinase like orphan receptor 2; minus strand). Cytogenetic location: 9q22.31.
Variant type: single nucleotide variant.
Coding change: c.2190C>T on transcript NM_004560.4 (MANE Select); coding-DNA position 2190, C replaced by T.
Protein change: p.Asn730=; no amino-acid change (asparagine 730 retained).
Molecular consequence: synonymous variant.
Genome position (GRCh38, 1-based): chr9:91,724,304, G>A on the plus strand (C>T on the coding strand, the complement: ROR2 is on the minus strand). VCF-style: chr9-91724304-G-A. GRCh37 (hg19) VCF-style: chr9-94486586-G-A.
Identifiers: ClinVar variation 367499 (VCV000367499.16), dbSNP rs372509332, ClinGen allele CA5120464.